The following is an entry in ClinVar:

ClinVar aggregate classification (germline): Uncertain significance. Review status: criteria provided, multiple submitters, no conflicts (2 of 4 stars). 3 submissions from 3 submitters: Uncertain significance (3). Last evaluated 2025-07-29.

Conditions:
Classic or attenuated familial adenomatous polyposis. Identifiers: MedGen CN372698, MONDO:0021057.
Hereditary cancer-predisposing syndrome. Also called: Tumor predisposition; Hereditary neoplastic syndrome; Neoplastic Syndromes, Hereditary; Hereditary Cancer Syndrome. Identifiers: Orphanet 140162, MedGen C0027672, MeSH D009386, MONDO:0015356.
Familial adenomatous polyposis 1 (FAP1). Also called: FAMILIAL ADENOMATOUS POLYPOSIS 1, ATTENUATED; POLYPOSIS, ADENOMATOUS INTESTINAL. Identifiers: MedGen C2713442, MONDO:0021056, OMIM 175100. Disease mechanism: loss of function.

Allele frequency attached by ClinVar (database versions not stated): gnomAD exomes below 0.00001 and 0.00001; ExAC 0.00002.

Submissions (3):

Labcorp Genetics (formerly Invitae), Labcorp
Classification: Uncertain significance for Familial adenomatous polyposis 1. Last evaluated: 2025-07-29. Review status: criteria provided, single submitter. Criteria: Invitae Variant Classification Sherloc (09022015). Collection method: clinical testing. Allele origin: germline.
Comment: This sequence change replaces alanine, which is neutral and non-polar, with threonine, which is neutral and polar, at codon 449 of the APC protein (p.Ala449Thr). This variant is present in population databases (rs758535166, gnomAD 0.01%). This variant has not been reported in the literature in individuals affected with APC-related conditions. ClinVar contains an entry for this variant (Variation ID: 1358832). Invitae Evidence Modeling of protein sequence and biophysical properties (such as structural, functional, and spatial information, amino acid conservation, physicochemical variation, residue mobility, and thermodynamic stability) indicates that this missense variant is not expected to disrupt APC protein function with a negative predictive value of 95%. In summary, the available evidence is currently insufficient to determine the role of this variant in disease. Therefore, it has been classified as a Variant of Uncertain Significance.

All of Us Research Program, National Institutes of Health
Classification: Uncertain significance for Classic or attenuated familial adenomatous polyposis. Last evaluated: 2023-04-10. Review status: criteria provided, single submitter. Criteria: ACMG Guidelines, 2015. Collection method: clinical testing. Allele origin: germline. Inheritance: Autosomal dominant inheritance. Observed: 1 variant allele, 1 heterozygote.
Comment: This missense variant replaces alanine with threonine at codon 449 of the APC protein. Computational prediction is inconclusive regarding the impact of this variant on protein structure and function (internally defined REVEL score threshold 0.5 < inconclusive < 0.7, PMID: 27666373). To our knowledge, functional studies have not been reported for this variant. This variant has not been reported in individuals affected with APC-related disorders in the literature. This variant has been identified in 2/250624 chromosomes in the general population by the Genome Aggregation Database (gnomAD). The available evidence is insufficient to determine the role of this variant in disease conclusively. Therefore, this variant is classified as a Variant of Uncertain Significance.

This study involves interpretation of variants in research participants for the purpose of population health screening. Participant phenotype was not available at the time of variant classification. Additional details can be found in publication PMID: 35346344, PMCID: PMC8962531

Ambry Genetics
Classification: Uncertain significance for Hereditary cancer-predisposing syndrome. Last evaluated: 2020-03-09. Review status: criteria provided, single submitter. Criteria: Ambry Variant Classification Scheme 2023. Collection method: clinical testing. Allele origin: germline.
Comment: The p.A449T variant (also known as c.1345G>A), located in coding exon 10 of the APC gene, results from a G to A substitution at nucleotide position 1345. The alanine at codon 449 is replaced by threonine, an amino acid with similar properties. This amino acid position is highly conserved in available vertebrate species. In addition, in silico predictors for this gene do not accurately predict pathogenicity. Since supporting evidence is limited at this time, the clinical significance of this alteration remains unclear.

NM_000038.6(APC):c.1345G>A (p.Ala449Thr)

Gene: APC (APC regulator of Wnt signaling pathway; plus strand). Cytogenetic location: 5q22.2.
Variant type: single nucleotide variant.
Coding change: c.1345G>A on transcript NM_000038.6 (MANE Select); coding-DNA position 1345, G replaced by A.
Protein change: p.Ala449Thr; replaces alanine 449 with threonine.
Molecular consequence: missense variant.
Genome position (GRCh38, 1-based): chr5:112,821,928, G>A. VCF-style: chr5-112821928-G-A. GRCh37 (hg19) VCF-style: chr5-112157625-G-A.
Other names: c.1345G>A, p.Ala449Thr (NM_001127510.3, NM_001354895.2, NM_001354896.2); c.1291G>A, p.Ala431Thr (NM_001127511.3); c.1375G>A, p.Ala459Thr (NM_001354897.2); c.1270G>A, p.Ala424Thr (NM_001354898.2); c.1261G>A, p.Ala421Thr (NM_001354899.2); c.1168G>A, p.Ala390Thr (NM_001354900.2, NM_001354901.2); c.1072G>A, p.Ala358Thr (NM_001354902.2); c.1042G>A, p.Ala348Thr (NM_001354903.2); and 3 more; short protein forms A289T, A323T, A424T, A431T, A449T, A166T, A421T, A390T.
Identifiers: ClinVar variation 1358832 (VCV001358832.11), dbSNP rs758535166, ClinGen allele CA027225.
Genomic context (GRCh38, chr5:112,821,928, plus strand): 5'-TATGGTTTATGTTGATTTTATTTTTCAGTGCCAGCTCCTGTTGAACATCAGATCTGTCCT[G>A]CTGTGTGTGTTCTAATGAAACTTTCATTTGATGAAGAGCATAGACATGCAATGAATGAAC-3'
Protein context (NP_000029.2, residues 439-459): PAPVEHQICP[Ala449Thr]VCVLMKLSFD